The following is an entry in ClinVar:

NM_000038.6(APC):c.4738_4741del (p.Ile1580fs)

Gene: APC (APC regulator of Wnt signaling pathway; plus strand). Cytogenetic location: 5q22.2.
Variant type: Deletion.
Coding change: c.4738_4741del on transcript NM_000038.6 (MANE Select); coding-DNA positions 4738 to 4741, 4 bases deleted (ATTT; older notation c.4738_4741delATTT).
Protein change: p.Ile1580fs; shifts the reading frame from isoleucine 1580.
Molecular consequence: frameshift variant.
Genome position (GRCh38, 1-based): chr5:112,840,332-112,840,335, ATTT deleted; deleting any 4 consecutive bases within chr5:112,840,330-112,840,335 gives the same sequence; the c. name uses the placement nearest the transcript's 3' end. VCF-style (leftmost placement, unchanged base first): chr5-112840329-ATTAT-A. GRCh37 (hg19) VCF-style: chr5-112176026-ATTAT-A.
Other names: c.4738_4741del, p.Ile1580fs (NM_001127510.3, NM_001354895.2); c.4684_4687del, p.Ile1562fs (NM_001127511.3); c.4792_4795del, p.Ile1598fs (NM_001354896.2); c.4768_4771del, p.Ile1590fs (NM_001354897.2); c.4663_4666del, p.Ile1555fs (NM_001354898.2); c.4654_4657del, p.Ile1552fs (NM_001354899.2); c.4615_4618del, p.Ile1539fs (NM_001354900.2); c.4561_4564del, p.Ile1521fs (NM_001354901.2); and 16 more; short protein forms I1420fs, I1562fs, I1297fs, I1555fs, I1580fs, I1590fs, I1489fs, I1552fs.
Identifiers: ClinVar variation 1742752 (VCV001742752.2), dbSNP rs2533596501, ClinGen allele CA645543983.

ClinVar aggregate classification (germline): Pathogenic (1 of 4 stars; one submission).

Conditions:
Hereditary cancer-predisposing syndrome. Also called: Hereditary Cancer Syndrome; Hereditary neoplastic syndrome; Neoplastic Syndromes, Hereditary; Tumor predisposition. Identifiers: Orphanet 140162, MedGen C0027672, MeSH D009386, MONDO:0015356.

Submission:

Ambry Genetics
Classification: Pathogenic for Hereditary cancer-predisposing syndrome. Last evaluated: 2019-03-22. Review status: criteria provided, single submitter. Criteria: Ambry Variant Classification Scheme 2023. Collection method: clinical testing. Allele origin: germline.
Comment: The c.4738_4741delATTT pathogenic mutation, located in coding exon 15 of the APC gene, results from a deletion of 4 nucleotides at nucleotide positions 4738 to 4741, causing a translational frameshift with a predicted alternate stop codon (p.I1580Lfs*69). This alteration is expected to result in loss of function by premature protein truncation. As such, this alteration is interpreted as a disease-causing mutation.